The following is an entry in ClinVar:

NM_000180.4(GUCY2D):c.1433T>C (p.Leu478Pro)

Gene: GUCY2D (guanylate cyclase 2D, retinal; plus strand). Cytogenetic location: 17p13.1.
Variant type: single nucleotide variant.
Coding change: c.1433T>C on transcript NM_000180.4 (MANE Select); coding-DNA position 1433, T replaced by C.
Protein change: p.Leu478Pro; replaces leucine 478 with proline.
Molecular consequence: missense variant.
Genome position (GRCh38, 1-based): chr17:8,007,114, T>C. VCF-style: chr17-8007114-T-C. GRCh37 (hg19) VCF-style: chr17-7910432-T-C.
Other names: short protein forms L478P.
Identifiers: ClinVar variation 1309381 (VCV001309381.8), dbSNP rs766944930, ClinGen allele CA8365745.

ClinVar aggregate classification (germline): Uncertain significance. Review status: criteria provided, multiple submitters, no conflicts (2 of 4 stars). 4 submissions from 4 submitters: Uncertain significance (4). Last evaluated 2025-09-25.

Conditions:
Inborn genetic diseases. Identifiers: MedGen C0950123, MeSH D030342.
Cone-rod dystrophy 6 (CORD6). Also called: Cone dystrophy progressive; RETINAL CONE DYSTROPHY 2. Identifiers: Orphanet 1872, MedGen C1866293, MONDO:0011143, OMIM 601777.
Leber congenital amaurosis 1 (LCA1). Also called: Congenital absence of the rods and cones; Leber's congenital tapetoretinal degeneration; Leber's congenital tapetoretinal dysplasia; RETINAL BLINDNESS, CONGENITAL; AMAUROSIS CONGENITA OF LEBER I. Identifiers: Orphanet 65, MedGen C2931258, MONDO:0008764, OMIM 204000.

Allele frequency attached by ClinVar (database versions not stated): gnomAD 0.00001; ExAC 0.00002; gnomAD exomes 0.00002 and 0.00007; TOPMed 0.00003.
gnomAD v4.1: 27 of 1,613,888 alleles (0.0017%); highest among the groups gnomAD compares: Admixed American, 0.043%; no homozygotes.

Submissions (4):

Ambry Genetics
Classification: Uncertain significance for Inborn genetic diseases. Last evaluated: 2025-09-25. Review status: criteria provided, single submitter. Criteria: Ambry Variant Classification Scheme 2023. Collection method: clinical testing. Allele origin: germline.
Comment: The c.1433T>C (p.L478P) alteration is located in exon 5 (coding exon 4) of the GUCY2D gene. This alteration results from a T to C substitution at nucleotide position 1433, causing the leucine (L) at amino acid position 478 to be replaced by a proline (P). Based on data from gnomAD, the C allele has an overall frequency of 0.007% (18/251382) total alleles studied. The highest observed frequency was 0.052% (18/34590) of Latino alleles. Based on insufficient or conflicting evidence, the clinical significance of this alteration remains unclear.

Labcorp Genetics (formerly Invitae), Labcorp
Classification: Uncertain significance for Leber congenital amaurosis 1; Cone-rod dystrophy 6. Last evaluated: 2024-11-18. Review status: criteria provided, single submitter. Criteria: Invitae Variant Classification Sherloc (09022015). Collection method: clinical testing. Allele origin: germline.
Comment: This sequence change replaces leucine, which is neutral and non-polar, with proline, which is neutral and non-polar, at codon 478 of the GUCY2D protein (p.Leu478Pro). This variant is present in population databases (rs766944930, gnomAD 0.05%). This variant has not been reported in the literature in individuals affected with GUCY2D-related conditions. ClinVar contains an entry for this variant (Variation ID: 1309381). Invitae Evidence Modeling of protein sequence and biophysical properties (such as structural, functional, and spatial information, amino acid conservation, physicochemical variation, residue mobility, and thermodynamic stability) indicates that this missense variant is not expected to disrupt GUCY2D protein function with a negative predictive value of 80%. In summary, the available evidence is currently insufficient to determine the role of this variant in disease. Therefore, it has been classified as a Variant of Uncertain Significance.

Blueprint Genetics
Classification: Uncertain significance. Last evaluated: 2023-12-18. Review status: criteria provided, single submitter. Criteria: ACMG Guidelines, 2015. Collection method: clinical testing. Allele origin: germline.

GeneDx
Classification: Uncertain significance. Last evaluated: 2019-11-04. Review status: criteria provided, single submitter. Criteria: GeneDx Variant Classification Process June 2021. Collection method: clinical testing. Allele origin: germline. Affected: yes.
Comment: In silico analysis, which includes protein predictors and evolutionary conservation, supports a deleterious effect; Has not been previously published as pathogenic or benign to our knowledge